The following is an entry in ClinVar:

NM_001376.5(DYNC1H1):c.6904G>A (p.Val2302Ile)

Gene: DYNC1H1 (dynein cytoplasmic 1 heavy chain 1; plus strand). Cytogenetic location: 14q32.31.
Variant type: single nucleotide variant.
Coding change: c.6904G>A on transcript NM_001376.5 (MANE Select); coding-DNA position 6904, G replaced by A.
Protein change: p.Val2302Ile; replaces valine 2302 with isoleucine.
Molecular consequence: missense variant.
Genome position (GRCh38, 1-based): chr14:102,012,360, G>A. VCF-style: chr14-102012360-G-A. GRCh37 (hg19) VCF-style: chr14-102478697-G-A.
Other names: short protein forms V2302I.
Identifiers: ClinVar variation 696176 (VCV000696176.41), dbSNP rs561339487, ClinGen allele CA7352707.

ClinVar aggregate classification (germline): Benign/Likely benign. Review status: criteria provided, multiple submitters, no conflicts (2 of 4 stars). 6 submissions from 6 submitters: Benign (2); Likely benign (4). Last evaluated 2025-09-27.

Conditions:
Inborn genetic diseases. Identifiers: MedGen C0950123, MeSH D030342.
Charcot-Marie-Tooth disease axonal type 2O. Also called: Charcot-Marie-Tooth Neuropathy Type 2O; Charcot-Marie-Tooth disease, axonal, type 20; CHARCOT-MARIE-TOOTH NEUROPATHY, AXONAL, TYPE 2O; CHARCOT-MARIE-TOOTH DISEASE, AXONAL, AUTOSOMAL DOMINANT, TYPE 2O. Identifiers: Orphanet 284232, MedGen C3280220, MONDO:0013644, OMIM 614228.

Allele frequency attached by ClinVar (database versions not stated): gnomAD exomes 0.00024 and 0.00045; ExAC 0.00052; 1000 Genomes Project 0.00120; 1000 Genomes Project 30x 0.00125; gnomAD 0.00003 and 0.00022; TOPMed 0.00003.
gnomAD v4.1: 385 of 1,614,216 alleles (0.024%); highest among the groups gnomAD compares: South Asian, 0.38%; 4 homozygotes.

Submissions (6):

Labcorp Genetics (formerly Invitae), Labcorp
Classification: Benign for Charcot-Marie-Tooth disease axonal type 2O. Last evaluated: 2025-09-27. Review status: criteria provided, single submitter. Criteria: Invitae Variant Classification Sherloc (09022015). Collection method: clinical testing. Allele origin: germline.

Blueprint Genetics
Classification: Likely benign. Last evaluated: 2024-11-18. Review status: criteria provided, single submitter. Criteria: ACMG Guidelines, 2015. Collection method: clinical testing. Allele origin: germline.

CeGaT Center for Human Genetics Tuebingen
Classification: Likely benign. Last evaluated: 2023-12-01. Review status: criteria provided, single submitter. Criteria: CeGaT Center For Human Genetics Tuebingen Variant Classification Criteria Version 2. Collection method: clinical testing. Allele origin: germline. Affected: yes. Observed: 1 variant allele.
Comment: DYNC1H1: PP2, BP4, BS1

Revvity Omics, Revvity
Classification: Likely benign. Last evaluated: 2023-11-16. Review status: criteria provided, single submitter. Criteria: ACMG Guidelines, 2015. Collection method: clinical testing. Allele origin: germline.

Ambry Genetics
Classification: Likely benign for Inborn genetic diseases. Last evaluated: 2020-06-30. Review status: criteria provided, single submitter. Criteria: Ambry Variant Classification Scheme 2023. Collection method: clinical testing. Allele origin: germline.

GeneDx
Classification: Benign. Last evaluated: 2019-07-19. Review status: criteria provided, single submitter. Criteria: GeneDx Variant Classification Process June 2021. Collection method: clinical testing. Allele origin: germline. Affected: yes.